The following is an entry in ClinVar:

NM_003001.5(SDHC):c.373A>G (p.Met125Val)

Gene: SDHC (succinate dehydrogenase complex subunit C; plus strand). Cytogenetic location: 1q23.3.
Variant type: single nucleotide variant.
Coding change: c.373A>G on transcript NM_003001.5 (MANE Select); coding-DNA position 373, A replaced by G.
Protein change: p.Met125Val; replaces methionine 125 with valine.
Molecular consequence: missense variant. On other transcripts: non-coding transcript variant (1), intron variant (3).
Genome position (GRCh38, 1-based): chr1:161,356,808, A>G. VCF-style: chr1-161356808-A-G. GRCh37 (hg19) VCF-style: chr1-161326598-A-G.
Other names: c.271A>G, p.Met91Val (NM_001035512.3); c.214A>G, p.Met72Val (NM_001035513.3); c.493A>G, p.Met165Val (NM_001407115.1); c.316A>G, p.Met106Val (NM_001407116.1); c.310A>G, p.Met104Val (NM_001407117.1); c.265A>G, p.Met89Val (NM_001407118.1); c.262A>G, p.Met88Val (NM_001407119.1, NM_001407120.1); c.242-5521A>G (NM_001035511.3); and 2 more; short protein forms M125V, M91V, M72V, M106V, M89V, M165V, M104V, M88V.
Identifiers: ClinVar variation 1445027 (VCV001445027.7), dbSNP rs771059368, ClinGen allele CA31433570.

ClinVar aggregate classification (germline): Uncertain significance (1 of 4 stars; one submission).

Conditions:
Gastrointestinal stromal tumor. Also called: Gastrointestinal stroma tumor; Gastrointestinal stromal tumor, somatic. Identifiers: Orphanet 44890, MedGen C0238198, MeSH D046152, MONDO:0011719, OMIM 606764, HP:0100723.
Pheochromocytoma/paraganglioma syndrome 3. Also called: GLOMUS TUMORS, FAMILIAL, 3; SDHC-Related Hereditary Paraganglioma-Pheochromocytoma Syndrome; Paragangliomas 3; SDHC-Related Hereditary Paraganglioma-Pheochromocytoma Syndrome (Paragangliomas 3). Identifiers: Orphanet 29072, MedGen C1854336, MONDO:0011544, OMIM 605373.

Allele frequency attached by ClinVar (database versions not stated): gnomAD exomes below 0.00001.

Submission:

Labcorp Genetics (formerly Invitae), Labcorp
Classification: Uncertain significance for Pheochromocytoma/paraganglioma syndrome 3; Gastrointestinal stromal tumor. Last evaluated: 2021-11-19. Review status: criteria provided, single submitter. Criteria: Invitae Variant Classification Sherloc (09022015). Collection method: clinical testing. Allele origin: germline.
Comment: This variant is not present in population databases (gnomAD no frequency). In summary, the available evidence is currently insufficient to determine the role of this variant in disease. Therefore, it has been classified as a Variant of Uncertain Significance. This variant disrupts the p.Met125 amino acid residue in SDHC. Other variant(s) that disrupt this residue have been determined to be pathogenic (PMID: 23512077, 30877234; Invitae). This suggests that this residue is clinically significant, and that variants that disrupt this residue are likely to be disease-causing. Algorithms developed to predict the effect of missense changes on protein structure and function (SIFT, PolyPhen-2, Align-GVGD) all suggest that this variant is likely to be tolerated. This variant has not been reported in the literature in individuals affected with SDHC-related conditions. This sequence change replaces methionine, which is neutral and non-polar, with valine, which is neutral and non-polar, at codon 125 of the SDHC protein (p.Met125Val).

Literature cited by the submitters: PubMed 23512077; PubMed 30877234.